The following is an entry in ClinVar:

ClinVar aggregate classification (germline): Benign/Likely benign. Review status: criteria provided, multiple submitters, no conflicts (2 of 4 stars). 3 submissions from 3 submitters: Benign (1); Likely benign (1). 1 of the submissions does not count toward it. Last evaluated 2025-03-26.

Conditions:
Telangiectasia, hereditary hemorrhagic, type 2 (HHT2). Also called: ACVRL1-Related Hereditary Hemorrhagic Telangiectasia; Telangiectasia, hereditary hemorrhagic, type II. Identifiers: Orphanet 774, MedGen C1838163, MONDO:0010880, OMIM 600376. Disease mechanism: loss of function.
ACVRL1-related disorder. Also called: ACVRL1-related disorders; ACVRL1-related condition.

Allele frequency attached by ClinVar (database versions not stated): TOPMed 0.00001; gnomAD 0.00002 and 0.00003; gnomAD exomes 0.00003 and 0.00008; ExAC 0.00008; 1000 Genomes Project 30x 0.00016; 1000 Genomes Project 0.00020.

Submissions (3):

Labcorp Genetics (formerly Invitae), Labcorp
Classification: Benign for Telangiectasia, hereditary hemorrhagic, type 2. Last evaluated: 2025-03-26. Review status: criteria provided, single submitter. Criteria: Invitae Variant Classification Sherloc (09022015). Collection method: clinical testing. Allele origin: germline.

Blueprint Genetics
Classification: Likely benign. Last evaluated: 2024-08-16. Review status: criteria provided, single submitter. Criteria: ACMG Guidelines, 2015. Collection method: clinical testing. Allele origin: germline.

PreventionGenetics, part of Exact Sciences
Classification: Likely benign for ACVRL1-related condition. Last evaluated: 2021-05-05. Review status: no assertion criteria provided. Collection method: clinical testing. Allele origin: germline. Not counted in ClinVar's aggregate classification.
Comment: This variant is classified as likely benign based on ACMG/AMP sequence variant interpretation guidelines (Richards et al. 2015 PMID: 25741868, with internal and published modifications).

NM_000020.3(ACVRL1):c.61+7A>T

Gene: ACVRL1 (activin A receptor like type 1; plus strand). Cytogenetic location: 12q13.13.
Variant type: single nucleotide variant.
Coding change: c.61+7A>T on transcript NM_000020.3 (MANE Select); 7 bases into the intron after coding-DNA position 61, A replaced by T.
Molecular consequence: intron variant.
Genome position (GRCh38, 1-based): chr12:51,912,542, A>T. VCF-style: chr12-51912542-A-T. GRCh37 (hg19) VCF-style: chr12-52306326-A-T.
Other names: c.61+7A>T (NM_001077401.2, NM_000020.2).
Identifiers: ClinVar variation 1673852 (VCV001673852.10), dbSNP rs200221603, ClinGen allele CA6572790.
Genomic context (GRCh38, chr12:51,912,542, plus strand): 5'-TGGGCTCCCCCAGGAAAGGCCTTCTGATGCTGCTGATGGCCTTGGTGACCCAGGGTGAGT[A>T]CTGGGGGAGCAGTTAGGAAACAGGAACCTGGATACAGAAAGGGCTATCTGGGCCCAGATC-3'